The following is an entry in ClinVar:

ClinVar aggregate classification (germline): Uncertain significance (1 of 4 stars; one submission).

Conditions:
Hereditary cancer-predisposing syndrome. Also called: Neoplastic Syndromes, Hereditary; Tumor predisposition; Hereditary Cancer Syndrome; Hereditary neoplastic syndrome. Identifiers: Orphanet 140162, MedGen C0027672, MeSH D009386, MONDO:0015356.

gnomAD v4.1: 4 of 1,613,348 alleles (0.00025%); highest among the groups gnomAD compares: Non-Finnish European, 0.00034%; no homozygotes.

Submission:

Ambry Genetics
Classification: Uncertain significance for Hereditary cancer-predisposing syndrome. Last evaluated: 2026-06-03. Review status: criteria provided, single submitter. Criteria: Ambry Variant Classification Scheme 2023. Collection method: clinical testing. Allele origin: germline.
Comment: The p.A193V variant (also known as c.578C>T), located in coding exon 5 of the APC gene, results from a C to T substitution at nucleotide position 578. The alanine at codon 193 is replaced by valine, an amino acid with similar properties. Missense variants in APC are not a common cause of disease (Spier I et al. Genet Med. 2024 Feb;26(2):100992). This amino acid position is highly conserved in available vertebrate species. In addition, in silico predictors for this gene do not accurately predict pathogenicity. Based on the available evidence, the clinical significance of this variant remains unclear.

NM_000038.6(APC):c.578C>T (p.Ala193Val)

Gene: APC (APC regulator of Wnt signaling pathway; plus strand). Cytogenetic location: 5q22.2.
Variant type: single nucleotide variant.
Coding change: c.578C>T on transcript NM_000038.6 (MANE Select); coding-DNA position 578, C replaced by T.
Protein change: p.Ala193Val; replaces alanine 193 with valine.
Molecular consequence: missense variant. On other transcripts: 5 prime UTR variant (4), non-coding transcript variant (2).
Genome position (GRCh38, 1-based): chr5:112,780,836, C>T. VCF-style: chr5-112780836-C-T. GRCh37 (hg19) VCF-style: chr5-112116533-C-T.
Other names: c.578C>T, p.Ala193Val (NM_001127510.3, NM_001354903.2, NM_001407447.1 and 16 more transcripts); c.503C>T, p.Ala168Val (NM_001354904.2, NM_001407451.1, NM_001354898.2); c.401C>T, p.Ala134Val (NM_001354905.2, NM_001407453.1, NM_001354900.2 and 1 more transcripts); c.-458C>T (NM_001354906.2, NM_001407470.1, NM_001407471.1 and 1 more transcripts); c.608C>T, p.Ala203Val (NM_001407446.1, NM_001127511.3, NM_001354897.2 and 1 more transcripts); short protein forms A134V, A168V, A193V, A203V.
Identifiers: ClinVar variation 4861949 (VCV004861949.1).